The following is an entry in ClinVar:

NM_001277313.2(FMN1):c.4101A>G (p.Lys1367=)

Gene: FMN1 (formin 1; minus strand). Cytogenetic location: 15q13.3.
Variant type: single nucleotide variant.
Coding change: c.4101A>G on transcript NM_001277313.2 (MANE Select); coding-DNA position 4101, A replaced by G.
Protein change: p.Lys1367=; no amino-acid change (lysine 1367 retained).
Molecular consequence: synonymous variant.
Genome position (GRCh38, 1-based): chr15:32,798,833, T>C on the plus strand (A>G on the coding strand, the complement: FMN1 is on the minus strand). VCF-style: chr15-32798833-T-C. GRCh37 (hg19) VCF-style: chr15-33091034-T-C.
Other names: c.3432A>G, p.Lys1144= (NM_001103184.4).
Identifiers: ClinVar variation 4823233 (VCV004823233.4).

ClinVar aggregate classification (germline): Likely benign (1 of 4 stars; one submission).

Submission:

CeGaT Center for Human Genetics Tuebingen
Classification: Likely benign. Last evaluated: 2026-01-01. Review status: criteria provided, single submitter. Criteria: CeGaT Center For Human Genetics Tuebingen Variant Classification Criteria Version 2. Collection method: clinical testing. Allele origin: germline. Affected: yes. Observed: 1 variant allele.
Comment: FMN1: PM2:Supporting, BP4, BP7